The following is an entry in ClinVar:

ClinVar aggregate classification (germline): Uncertain significance. Review status: criteria provided, multiple submitters, no conflicts (2 of 4 stars). 2 submissions from 2 submitters: Uncertain significance (2). Last evaluated 2025-12-19.

Allele frequency attached by ClinVar (database versions not stated): gnomAD exomes 0.00004; 1000 Genomes Project 30x 0.00016; 1000 Genomes Project 0.00020; ExAC 0.00020; gnomAD 0.00055; TOPMed 0.00060; ESP Exome Variant Server 0.00092.

Submissions (2):

Labcorp Genetics (formerly Invitae), Labcorp
Classification: Uncertain significance. Last evaluated: 2025-12-19. Review status: criteria provided, single submitter. Criteria: Invitae Variant Classification Sherloc (09022015). Collection method: clinical testing. Allele origin: germline.
Comment: This sequence change replaces valine, which is neutral and non-polar, with alanine, which is neutral and non-polar, at codon 55 of the PMPCA protein (p.Val55Ala). This variant is present in population databases (rs113080564, gnomAD 0.2%). This variant has not been reported in the literature in individuals affected with PMPCA-related conditions. ClinVar contains an entry for this variant (Variation ID: 2051947). An algorithm developed to predict the effect of missense changes on protein structure and function (PolyPhen-2) suggests that this variant is likely to be tolerated. In summary, the available evidence is currently insufficient to determine the role of this variant in disease. Therefore, it has been classified as a Variant of Uncertain Significance.

Blueprint Genetics
Classification: Uncertain significance. Last evaluated: 2024-10-23. Review status: criteria provided, single submitter. Criteria: ACMG Guidelines, 2015. Collection method: clinical testing. Allele origin: germline.

NM_015160.3(PMPCA):c.164T>C (p.Val55Ala)

Gene: PMPCA (peptidase, mitochondrial processing subunit alpha; plus strand). Cytogenetic location: 9q34.3.
Variant type: single nucleotide variant.
Coding change: c.164T>C on transcript NM_015160.3 (MANE Select); coding-DNA position 164, T replaced by C.
Protein change: p.Val55Ala; replaces valine 55 with alanine.
Molecular consequence: missense variant. On other transcripts: 5 prime UTR variant (2).
Genome position (GRCh38, 1-based): chr9:136,412,089, T>C. VCF-style: chr9-136412089-T-C. GRCh37 (hg19) VCF-style: chr9-139306541-T-C.
Other names: c.-135T>C (NM_001282944.2, NM_001282946.2); short protein forms V55A.
Identifiers: ClinVar variation 2051947 (VCV002051947.5), dbSNP rs113080564, ClinGen allele CA5335870.